The following is an entry in ClinVar:

NM_001267550.2(TTN):c.86171G>A (p.Arg28724Lys)

Genes: TTN (titin; minus strand), TTN-AS1 (TTN antisense RNA 1; plus strand). Cytogenetic location: 2q31.2.
Variant type: single nucleotide variant.
Coding change: c.86171G>A on transcript NM_001267550.2 (MANE Select); coding-DNA position 86171, G replaced by A.
Protein change: p.Arg28724Lys; replaces arginine 28724 with lysine.
Molecular consequence: missense variant.
Genome position (GRCh38, 1-based): chr2:178,559,961, C>T on the plus strand (G>A on the coding strand, the complement: TTN is on the minus strand). VCF-style: chr2-178559961-C-T. GRCh37 (hg19) VCF-style: chr2-179424688-C-T.
Other names: c.81248G>A, p.Arg27083Lys (NM_001256850.1); c.58976G>A, p.Arg19659Lys (NM_003319.4); c.78467G>A, p.Arg26156Lys (NM_133378.4); c.59351G>A, p.Arg19784Lys (NM_133432.3); c.59552G>A, p.Arg19851Lys (NM_133437.4); short protein forms R19659K, R19784K, R19851K, R26156K, R27083K, R28724K.
Identifiers: ClinVar variation 4875030 (VCV004875030.2).

ClinVar aggregate classification (germline): Uncertain significance (1 of 4 stars; one submission).

gnomAD v4.1: 1 of 1,613,810 alleles (0.000062%); highest among the groups gnomAD compares: Non-Finnish European, 0.000085%; no homozygotes.

Submission:

CeGaT Center for Human Genetics Tuebingen
Classification: Uncertain significance. Last evaluated: 2026-05-01. Review status: criteria provided, single submitter. Criteria: CeGaT Center For Human Genetics Tuebingen Variant Classification Criteria Version 2. Collection method: clinical testing. Allele origin: germline. Affected: yes. Observed: 1 variant allele.
Comment: TTN: PM2, BP4